The following is an entry in ClinVar:

NM_000051.4(ATM):c.5663A>G (p.Asn1888Ser)

Gene: ATM (ATM serine/threonine kinase; plus strand). Cytogenetic location: 11q22.3.
Variant type: single nucleotide variant.
Coding change: c.5663A>G on transcript NM_000051.4 (MANE Select); coding-DNA position 5663, A replaced by G.
Protein change: p.Asn1888Ser; replaces asparagine 1888 with serine.
Molecular consequence: missense variant.
Genome position (GRCh38, 1-based): chr11:108,304,841, A>G. VCF-style: chr11-108304841-A-G. GRCh37 (hg19) VCF-style: chr11-108175568-A-G.
Other names: c.5663A>G, p.Asn1888Ser (NM_001351834.2); short protein forms N1888S.
Identifiers: ClinVar variation 4825526 (VCV004825526.1).

ClinVar aggregate classification (germline): Uncertain significance (1 of 4 stars; one submission).

Conditions:
Hereditary cancer-predisposing syndrome. Also called: Neoplastic Syndromes, Hereditary; Tumor predisposition; Hereditary Cancer Syndrome; Hereditary neoplastic syndrome. Identifiers: Orphanet 140162, MedGen C0027672, MeSH D009386, MONDO:0015356.

Submission:

Ambry Genetics
Classification: Uncertain significance for Hereditary cancer-predisposing syndrome. Last evaluated: 2026-02-15. Review status: criteria provided, single submitter. Criteria: Ambry Variant Classification Scheme 2023. Collection method: clinical testing. Allele origin: germline.
Comment: The p.N1888S variant (also known as c.5663A>G), located in coding exon 36 of the ATM gene, results from an A to G substitution at nucleotide position 5663. The asparagine at codon 1888 is replaced by serine, an amino acid with highly similar properties. This amino acid position is conserved. In addition, this alteration is predicted to be tolerated by in silico analysis. Based on the available evidence, the clinical significance of this variant remains unclear.